The following is an entry in ClinVar:

ClinVar aggregate classification (germline): Uncertain significance. Review status: criteria provided, multiple submitters, no conflicts (2 of 4 stars). 4 submissions from 4 submitters: Uncertain significance (4). Last evaluated 2025-05-26.

Conditions:
Inborn genetic diseases. Identifiers: MedGen C0950123, MeSH D030342.
Charcot-Marie-Tooth disease type 4. Also called: Charcot-Marie-Tooth disease, type IV; Charcot-Marie-Tooth, Type 4. Identifiers: Orphanet 64749, MedGen C4082197, MONDO:0018995.
Charcot-Marie-Tooth disease type 4B2. Also called: CHARCOT-MARIE-TOOTH DISEASE, WITH FOCALLY FOLDED MYELIN SHEATHS, AUTOSOMAL RECESSIVE, TYPE 4B2; Charcot-Marie-Tooth Neuropathy Type 4B2; CMT 4B2; CHARCOT-MARIE-TOOTH DISEASE, DEMYELINATING, TYPE 4B2. Identifiers: Orphanet 99956, MedGen C1858278, MONDO:0011475, OMIM 604563.

Allele frequency attached by ClinVar (database versions not stated): ExAC 0.00002; gnomAD exomes 0.00002; TOPMed 0.00004; gnomAD 0.00007.
gnomAD v4.1: 56 of 1,613,948 alleles (0.0035%); highest among the groups gnomAD compares: African/African-American, 0.0067%; no homozygotes.

Submissions (4):

Ambry Genetics
Classification: Uncertain significance for Inborn genetic diseases. Last evaluated: 2025-05-26. Review status: criteria provided, single submitter. Criteria: Ambry Variant Classification Scheme 2023. Collection method: clinical testing. Allele origin: germline.

Labcorp Genetics (formerly Invitae), Labcorp
Classification: Uncertain significance for Charcot-Marie-Tooth disease type 4. Last evaluated: 2022-01-15. Review status: criteria provided, single submitter. Criteria: Invitae Variant Classification Sherloc (09022015). Collection method: clinical testing. Allele origin: germline.
Comment: This sequence change replaces threonine, which is neutral and polar, with alanine, which is neutral and non-polar, at codon 1192 of the SBF2 protein (p.Thr1192Ala). This variant is present in population databases (rs761285334, gnomAD 0.008%). This variant has not been reported in the literature in individuals affected with SBF2-related conditions. ClinVar contains an entry for this variant (Variation ID: 393039). Algorithms developed to predict the effect of missense changes on protein structure and function (SIFT, PolyPhen-2, Align-GVGD) all suggest that this variant is likely to be tolerated. In summary, the available evidence is currently insufficient to determine the role of this variant in disease. Therefore, it has been classified as a Variant of Uncertain Significance.

ARUP Laboratories, Molecular Genetics and Genomics, ARUP Laboratories
Classification: Uncertain significance for Charcot-Marie-Tooth disease type 4B2. Last evaluated: 2021-03-09. Review status: criteria provided, single submitter. Criteria: ARUP Molecular Germline Variant Investigation Process 2021. Collection method: clinical testing. Allele origin: germline.
Comment: The SBF2 c.3574A>G; p.Thr1192Ala variant (rs761285334), to our knowledge, is not reported in the medical literature but is reported in ClinVar (Variation ID: 393039). This variant is found on eight chromosomes (8/282858 alleles) in the Genome Aggregation Database. The threonine at codon 1192 is weakly conserved, and computational analyses are uncertain whether this variant is neutral or deleterious (REVEL: 0.257). However, given the lack of clinical and functional data, the significance of the p.Thr1192Ala variant is uncertain at this time.

GeneDx
Classification: Uncertain significance. Last evaluated: 2017-01-16. Review status: criteria provided, single submitter. Criteria: GeneDx Variant Classification (06012015). Collection method: clinical testing. Allele origin: germline. Affected: yes.
Comment: A variant of uncertain significance has been identified in the SBF2 gene. The T1192A variant has not been published as a pathogenic variant, nor has it been reported as a benign variant to our knowledge. The T1192A variant is not observed at a significant frequency in large population cohorts (Lek et al., 2016; 1000 Genomes Consortium et al., 2015; Exome Variant Server). The T1192A variant is a non-conservative amino acid substitution, which is likely to impact secondary protein structure as these residues differ in polarity, charge, size and/or other properties. This substitution occurs at a position that is conserved in mammals; however, Alanine is observed at this position in evolution. In silico analysis is inconsistent in its predictions as to whether or not the variant is damaging to the protein structure/function. Therefore, based on the currently available information, it is unclear whether this variant is a pathogenic variant or a rare benign variant.

NM_030962.4(SBF2):c.3574A>G (p.Thr1192Ala)

Gene: SBF2 (SET binding factor 2; minus strand). Cytogenetic location: 11p15.4.
Variant type: single nucleotide variant.
Coding change: c.3574A>G on transcript NM_030962.4 (MANE Select); coding-DNA position 3574, A replaced by G.
Protein change: p.Thr1192Ala; replaces threonine 1192 with alanine.
Molecular consequence: missense variant.
Genome position (GRCh38, 1-based): chr11:9,832,302, T>C on the plus strand (A>G on the coding strand, the complement: SBF2 is on the minus strand). VCF-style: chr11-9832302-T-C. GRCh37 (hg19) VCF-style: chr11-9853849-T-C.
Other names: c.3574A>G, p.Thr1192Ala (NM_001386339.1); c.3445A>G, p.Thr1149Ala (NM_001386342.1); short protein forms T1192A, T1149A.
Identifiers: ClinVar variation 393039 (VCV000393039.18), dbSNP rs761285334, ClinGen allele CA5881232.